The following is an entry in ClinVar:

ClinVar aggregate classification (germline): Uncertain significance. Review status: criteria provided, multiple submitters, no conflicts (2 of 4 stars). 2 submissions from 2 submitters: Uncertain significance (2). Last evaluated 2024-07-03.

Allele frequency attached by ClinVar (database versions not stated): gnomAD exomes 0.00001; TOPMed 0.00001; ExAC 0.00002.

Submissions (2):

Labcorp Genetics (formerly Invitae), Labcorp
Classification: Uncertain significance. Last evaluated: 2024-07-03. Review status: criteria provided, single submitter. Criteria: Invitae Variant Classification Sherloc (09022015). Collection method: clinical testing. Allele origin: germline.
Comment: This variant, c.1373_1375del, is a complex sequence change that results in the deletion of 2 and insertion of 1 amino acid(s) in the SIN3A protein (p.His458_Gly459delinsArg). This variant is present in population databases (rs747637324, gnomAD 0.007%). This variant has not been reported in the literature in individuals affected with SIN3A-related conditions. ClinVar contains an entry for this variant (Variation ID: 1302567). Experimental studies and prediction algorithms are not available or were not evaluated, and the functional significance of this variant is currently unknown. In summary, the available evidence is currently insufficient to determine the role of this variant in disease. Therefore, it has been classified as a Variant of Uncertain Significance.

GeneDx
Classification: Uncertain significance. Last evaluated: 2019-05-08. Review status: criteria provided, single submitter. Criteria: GeneDx Variant Classification Process June 2021. Collection method: clinical testing. Allele origin: germline. Affected: yes.
Comment: In-frame deletion of 2 amino acids and insertion of 1 amino acid in a non-repeat region; In silico analysis, which includes protein predictors and evolutionary conservation, supports a deleterious effect; Has not been previously published as pathogenic or benign to our knowledge

NM_001145358.2(SIN3A):c.1373_1375del (p.His458_Gly459delinsArg)

Gene: SIN3A (SIN3 transcription regulator family member A; minus strand). Cytogenetic location: 15q24.2.
Variant type: Deletion.
Coding change: c.1373_1375del on transcript NM_001145358.2 (MANE Select); coding-DNA positions 1373 to 1375, 3 bases deleted (ATG; older notation c.1373_1375delATG).
Protein change: p.His458_Gly459delinsArg.
Molecular consequence: inframe indel.
Genome position (GRCh38, 1-based): chr15:75,407,087-75,407,089, CAT deleted on the plus strand (ATG on the coding strand, the reverse complement: SIN3A is on the minus strand). VCF-style (leftmost placement, unchanged base first): chr15-75407086-CCAT-C. GRCh37 (hg19) VCF-style: chr15-75699427-CCAT-C.
Other names: c.1373_1375del, p.His458_Gly459delinsArg (NM_001145357.2, NM_015477.3).
Identifiers: ClinVar variation 1302567 (VCV001302567.4), dbSNP rs747637324, ClinGen allele CA7667661.